The following is an entry in ClinVar:

ClinVar aggregate classification (germline): Likely benign (1 of 4 stars; one submission).

Conditions:
ROBO1-related disorder. Also called: ROBO1-related condition.

gnomAD v4.1: 17 of 1,613,268 alleles (0.0011%); highest among the groups gnomAD compares: African/African-American, 0.0013%; no homozygotes.

Submission:

PreventionGenetics, part of Exact Sciences
Classification: Likely benign for ROBO1-related condition. Last evaluated: 2026-03-03. Review status: criteria provided, single submitter. Criteria: ACMG Guidelines, 2015. Collection method: clinical testing. Allele origin: germline.
Comment: This variant is classified as likely benign based on ACMG/AMP sequence variant interpretation guidelines (Richards et al. 2015 PMID: 25741868, with internal and published modifications).

NM_002941.4(ROBO1):c.4896A>C (p.Val1632=)

Gene: ROBO1 (roundabout guidance receptor 1; minus strand). Cytogenetic location: 3p12.3.
Variant type: single nucleotide variant.
Coding change: c.4896A>C on transcript NM_002941.4 (MANE Select); coding-DNA position 4896, A replaced by C.
Protein change: p.Val1632=; no amino-acid change (valine 1632 retained).
Molecular consequence: synonymous variant.
Genome position (GRCh38, 1-based): chr3:78,600,158, T>G on the plus strand (A>C on the coding strand, the complement: ROBO1 is on the minus strand). VCF-style: chr3-78600158-T-G. GRCh37 (hg19) VCF-style: chr3-78649308-T-G.
Other names: c.4596A>C, p.Val1532= (NM_001145845.2); c.4761A>C, p.Val1587= (NM_133631.4).
Identifiers: ClinVar variation 4982530 (VCV004982530.1).